The following is an entry in ClinVar:

NM_001242957.3(MAK):c.1519dup (p.His507fs)

Gene: MAK (male germ cell associated kinase; minus strand). Cytogenetic location: 6p24.2.
Variant type: Duplication.
Coding change: c.1519dup on transcript NM_001242957.3 (MANE Select); coding-DNA position 1519, one base duplicated (C; older notation c.1519dupC).
Protein change: p.His507fs; shifts the reading frame from histidine 507.
Molecular consequence: frameshift variant. On other transcripts: non-coding transcript variant (2).
Genome position (GRCh38, 1-based): chr6:10,775,406, G duplicated on the plus strand (C on the coding strand, the reverse complement: MAK is on the minus strand); the first of 5 consecutive G bases (chr6:10,775,406-10,775,410); duplicating any one gives the same sequence. VCF-style (leftmost placement, unchanged base first): chr6-10775405-T-TG. GRCh37 (hg19) VCF-style: chr6-10775638-T-TG.
Other names: c.1519dup, p.His507fs (NM_001242385.2, NM_005906.6); c.1417dup, p.His473fs (NM_001377262.1); short protein forms H507fs, H473fs.
Identifiers: ClinVar variation 3005025 (VCV003005025.3), dbSNP rs748216114, ClinGen allele CA3633408.

ClinVar aggregate classification (germline): Pathogenic (1 of 4 stars; one submission).

Submission:

Labcorp Genetics (formerly Invitae), Labcorp
Classification: Pathogenic. Last evaluated: 2023-04-03. Review status: criteria provided, single submitter. Criteria: Invitae Variant Classification Sherloc (09022015). Collection method: clinical testing. Allele origin: germline.
Comment: This premature translational stop signal has been observed in individual(s) with retinitis pigmentosa (PMID: 33576794). For these reasons, this variant has been classified as Pathogenic. This variant is present in population databases (rs748216114, gnomAD 0.0009%). This sequence change creates a premature translational stop signal (p.His507Profs*32) in the MAK gene. It is expected to result in an absent or disrupted protein product. Loss-of-function variants in MAK are known to be pathogenic (PMID: 21148103, 21825139, 24938718, 29781741).

Literature cited by the submitters: PubMed 33576794; PubMed 21148103; PubMed 21825139; PubMed 24938718; PubMed 29781741.